The following is an entry in ClinVar:

ClinVar aggregate classification (germline): Uncertain significance (1 of 4 stars; one submission).

Submission:

GeneDx
Classification: Uncertain significance. Last evaluated: 2023-06-11. Review status: criteria provided, single submitter. Criteria: GeneDx Variant Classification Process June 2021. Collection method: clinical testing. Allele origin: germline. Affected: yes.
Comment: Not observed at significant frequency in large population cohorts (gnomAD); In silico analysis supports that this missense variant does not alter protein structure/function; Has not been previously published as pathogenic or benign to our knowledge

NM_014159.7(SETD2):c.6796C>G (p.Gln2266Glu)

Gene: SETD2 (SET domain containing 2, histone lysine methyltransferase; minus strand). Cytogenetic location: 3p21.31.
Variant type: single nucleotide variant.
Coding change: c.6796C>G on transcript NM_014159.7 (MANE Select); coding-DNA position 6796, C replaced by G.
Protein change: p.Gln2266Glu; replaces glutamine 2266 with glutamic acid.
Molecular consequence: missense variant. On other transcripts: non-coding transcript variant (1).
Genome position (GRCh38, 1-based): chr3:47,056,988, G>C on the plus strand (C>G on the coding strand, the complement: SETD2 is on the minus strand). VCF-style: chr3-47056988-G-C. GRCh37 (hg19) VCF-style: chr3-47098478-G-C.
Other names: c.6664C>G, p.Gln2222Glu (NM_001349370.3); short protein forms Q2222E, Q2266E.
Identifiers: ClinVar variation 3359696 (VCV003359696.1).